The following is an entry in ClinVar:

ClinVar aggregate classification (germline): Benign/Likely benign. Review status: criteria provided, multiple submitters, no conflicts (2 of 4 stars). 8 submissions from 8 submitters: Benign (1); Likely benign (6). 1 of the submissions does not count toward it. Last evaluated 2026-07-01.

Conditions:
AUTS2-related disorder. Also called: AUTS2-related condition.
Inborn genetic diseases. Identifiers: MedGen C0950123, MeSH D030342.
Intellectual disability. Also called: Intellectual functioning disability; intellectual disabilities; Intellectual developmental disorder. Identifiers: MedGen C3714756, MeSH D008607, MONDO:0001071, HP:0001249.

Allele frequency attached by ClinVar (database versions not stated): 1000 Genomes Project 30x 0.00016; 1000 Genomes Project 0.00020; ExAC 0.00038; gnomAD exomes 0.00038 and 0.00043; ESP Exome Variant Server 0.00046; TOPMed 0.00058; gnomAD 0.00060 and 0.00063.
gnomAD v4.1: 628 of 1,503,840 alleles (0.042%); highest among the groups gnomAD compares: Middle Eastern, 0.78%; 2 homozygotes.

Submissions (8):

CeGaT Center for Human Genetics Tuebingen
Classification: Likely benign. Last evaluated: 2026-07-01. Review status: criteria provided, single submitter. Criteria: CeGaT Center For Human Genetics Tuebingen Variant Classification Criteria Version 2. Collection method: clinical testing. Allele origin: germline. Affected: yes. Observed: 6 variant alleles.
Comment: AUTS2: BS1

Labcorp Genetics (formerly Invitae), Labcorp
Classification: Benign. Last evaluated: 2026-01-26. Review status: criteria provided, single submitter. Criteria: Invitae Variant Classification Sherloc (09022015). Collection method: clinical testing. Allele origin: germline.

Blueprint Genetics
Classification: Likely benign. Last evaluated: 2024-11-23. Review status: criteria provided, single submitter. Criteria: ACMG Guidelines, 2015. Collection method: clinical testing. Allele origin: germline.

Ambry Genetics
Classification: Likely benign for Inborn genetic diseases. Last evaluated: 2021-09-27. Review status: criteria provided, single submitter. Criteria: Ambry Variant Classification Scheme 2023. Collection method: clinical testing. Allele origin: germline.

GeneDx
Classification: Likely benign. Last evaluated: 2020-06-16. Review status: criteria provided, single submitter. Criteria: GeneDx Variant Classification Process June 2021. Collection method: clinical testing. Allele origin: germline. Affected: yes.

Cambridge Genomics Laboratory, East Genomic Laboratory Hub, NHS Genomic Medicine Service
Classification: Likely benign for Intellectual disability. Last evaluated: 2020-05-29. Review status: criteria provided, single submitter. Criteria: ACGS Best Practice Guidelines for Variant Classification in Rare Disease 2020. Collection method: clinical testing. Allele origin: germline. Affected: yes. Observed: 1 variant allele.

Breakthrough Genomics
Classification: Likely benign. Review status: criteria provided, single submitter. Criteria: ACMG Guidelines, 2015. Collection method: not provided. Allele origin: germline. Inheritance: Autosomal dominant inheritance. Affected: yes.

PreventionGenetics, part of Exact Sciences
Classification: Likely benign for AUTS2-related condition. Last evaluated: 2024-07-11. Review status: no assertion criteria provided. Collection method: clinical testing. Allele origin: germline. Not counted in ClinVar's aggregate classification.
Comment: This variant is classified as likely benign based on ACMG/AMP sequence variant interpretation guidelines (Richards et al. 2015 PMID: 25741868, with internal and published modifications).

NM_015570.4(AUTS2):c.3754A>G (p.Thr1252Ala)

Gene: AUTS2 (activator of transcription and developmental regulator AUTS2; plus strand). Cytogenetic location: 7q11.22.
Variant type: single nucleotide variant.
Coding change: c.3754A>G on transcript NM_015570.4 (MANE Select); coding-DNA position 3754, A replaced by G.
Protein change: p.Thr1252Ala; replaces threonine 1252 with alanine.
Molecular consequence: missense variant.
Genome position (GRCh38, 1-based): chr7:70,790,970, A>G. VCF-style: chr7-70790970-A-G. GRCh37 (hg19) VCF-style: chr7-70255956-A-G.
Other names: c.3682A>G, p.Thr1228Ala (NM_001127231.3); short protein forms T1228A, T1252A.
Identifiers: ClinVar variation 703624 (VCV000703624.39), dbSNP rs138087196, ClinGen allele CA4281417.